The following is an entry in ClinVar:

NM_001375524.1(TRRAP):c.4097G>C (p.Arg1366Pro)

Gene: TRRAP (transformation/transcription domain associated protein; plus strand). Cytogenetic location: 7q22.1.
Variant type: single nucleotide variant.
Coding change: c.4097G>C on transcript NM_001375524.1 (MANE Select); coding-DNA position 4097, G replaced by C.
Protein change: p.Arg1366Pro; replaces arginine 1366 with proline.
Molecular consequence: missense variant.
Genome position (GRCh38, 1-based): chr7:98,935,661, G>C. VCF-style: chr7-98935661-G-C. GRCh37 (hg19) VCF-style: chr7-98533284-G-C.
Other names: c.4097G>C, p.Arg1366Pro (NM_001244580.2, NM_003496.4); short protein forms R1366P.
Identifiers: ClinVar variation 3661605 (VCV003661605.2).

ClinVar aggregate classification (germline): Uncertain significance (1 of 4 stars; one submission).

Submission:

Labcorp Genetics (formerly Invitae), Labcorp
Classification: Uncertain significance. Last evaluated: 2024-08-06. Review status: criteria provided, single submitter. Criteria: Invitae Variant Classification Sherloc (09022015). Collection method: clinical testing. Allele origin: germline.
Comment: This sequence change replaces arginine, which is basic and polar, with proline, which is neutral and non-polar, at codon 1366 of the TRRAP protein (p.Arg1366Pro). This variant is not present in population databases (gnomAD no frequency). This variant has not been reported in the literature in individuals affected with TRRAP-related conditions. Advanced modeling of protein sequence and biophysical properties (such as structural, functional, and spatial information, amino acid conservation, physicochemical variation, residue mobility, and thermodynamic stability) performed at Invitae indicates that this missense variant is expected to disrupt TRRAP protein function with a positive predictive value of 80%. In summary, the available evidence is currently insufficient to determine the role of this variant in disease. Therefore, it has been classified as a Variant of Uncertain Significance.